The following is an entry in ClinVar:

NM_004465.2(FGF10):c.484A>C (p.Asn162His)

Gene: FGF10 (fibroblast growth factor 10; minus strand). Cytogenetic location: 5p12.
Variant type: single nucleotide variant.
Coding change: c.484A>C on transcript NM_004465.2 (MANE Select); coding-DNA position 484, A replaced by C.
Protein change: p.Asn162His; replaces asparagine 162 with histidine.
Molecular consequence: missense variant.
Genome position (GRCh38, 1-based): chr5:44,305,138, T>G on the plus strand (A>C on the coding strand, the complement: FGF10 is on the minus strand). VCF-style: chr5-44305138-T-G. GRCh37 (hg19) VCF-style: chr5-44305240-T-G.
Other names: short protein forms N162H.
Identifiers: ClinVar variation 3360121 (VCV003360121.1).

ClinVar aggregate classification (germline): Uncertain significance (1 of 4 stars; one submission).

Submission:

GeneDx
Classification: Uncertain significance. Last evaluated: 2023-06-22. Review status: criteria provided, single submitter. Criteria: GeneDx Variant Classification Process June 2021. Collection method: clinical testing. Allele origin: germline. Affected: yes.
Comment: Not observed at significant frequency in large population cohorts (gnomAD); In silico analysis supports that this missense variant has a deleterious effect on protein structure/function; Has not been previously published as pathogenic or benign to our knowledge